The following is an entry in ClinVar:

ClinVar aggregate classification (germline): Likely benign (1 of 4 stars; one submission).

Conditions:
Hereditary diffuse gastric adenocarcinoma (HDGC). Also called: DIFFUSE GASTRIC AND LOBULAR BREAST CANCER SYNDROME. Identifiers: Orphanet 26106, MedGen C1708349, MONDO:0007648, OMIM 137215.

Submission:

Myriad Genetics, Inc.
Classification: Likely benign for Hereditary diffuse gastric adenocarcinoma. Last evaluated: 2024-09-18. Review status: criteria provided, single submitter. Criteria: Myriad Autosomal Dominant, Autosomal Recessive and X-Linked Classification Criteria (2023). Collection method: clinical testing. Allele origin: unknown.
Comment: This variant is considered likely benign. This variant is intronic and is not expected to impact mRNA splicing.

NM_004360.5(CDH1):c.1321-15G>T

Gene: CDH1 (cadherin 1; plus strand). Cytogenetic location: 16q22.1.
Variant type: single nucleotide variant.
Coding change: c.1321-15G>T on transcript NM_004360.5 (MANE Select); 15 bases into the intron before coding-DNA position 1321, G replaced by T.
Molecular consequence: intron variant.
Genome position (GRCh38, 1-based): chr16:68,815,500, G>T. VCF-style: chr16-68815500-G-T. GRCh37 (hg19) VCF-style: chr16-68849403-G-T.
Other names: c.-228-15G>T (NM_001317185.2); c.-499-15G>T (NM_001317186.2); c.1138-15G>T (NM_001317184.2).
Identifiers: ClinVar variation 3379315 (VCV003379315.1).